The following is an entry in ClinVar:

ClinVar aggregate classification (germline): Likely pathogenic (1 of 4 stars; one submission).

Conditions:
Early-onset progressive encephalopathy-hearing loss-pons hypoplasia-brain atrophy syndrome. Also called: ENCEPHALOPATHY, PROGRESSIVE, EARLY-ONSET, WITH BRAIN ATROPHY AND SPASTICITY. Identifiers: Orphanet 500144, MedGen C5567229, MONDO:0044696, OMIM 617669.

Submission:

Rady Children's Institute for Genomic Medicine, Rady Children's Hospital San Diego
Classification: Likely pathogenic for ENCEPHALOPATHY, PROGRESSIVE, EARLY-ONSET, WITH BRAIN ATROPHY AND SPASTICITY. Review status: criteria provided, single submitter. Criteria: ACMG Guidelines, 2015. Collection method: clinical testing. Allele origin: germline. Affected: yes.
Comment: This frameshifting variant in exon 2 of 12 is predicted to result in loss of normal protein function through either protein truncation or nonsense-mediated mRNA decay. This variant has not been previously reported or functionally characterized in the literature to our knowledge. The c.56del (p.Pro19LeufsTer44) variant is present in the heterozygous state in the gnomAD population database at a frequency of 0.002% (3/161182) and is absent in the homozygous state. Based on the available evidence, the c.56del (p.Pro19LeufsTer44) variant is classified as Likely Pathogenic.

NM_016030.6(TRAPPC12):c.56del (p.Pro19fs)

Gene: TRAPPC12 (trafficking protein particle complex subunit 12; plus strand). Cytogenetic location: 2p25.3.
Variant type: Deletion.
Coding change: c.56del on transcript NM_016030.6 (MANE Select); coding-DNA position 56, one base deleted (C; older notation c.56delC).
Protein change: p.Pro19fs; shifts the reading frame from proline 19.
Molecular consequence: frameshift variant.
Genome position (GRCh38, 1-based): chr2:3,387,679, C deleted; the last of 6 consecutive C bases (chr2:3,387,674-3,387,679); deleting any one gives the same sequence. VCF-style (leftmost placement, unchanged base first): chr2-3387673-AC-A. GRCh37 (hg19) VCF-style: chr2-3391444-AC-A.
Other names: c.56del, p.Pro19fs (NM_001321102.2); short protein forms P19fs.
Identifiers: ClinVar variation 2584443 (VCV002584443.1), dbSNP rs757636155, ClinGen allele CA1514997.